The following is an entry in ClinVar:

ClinVar aggregate classification (germline): Uncertain significance. Review status: criteria provided, multiple submitters, no conflicts (2 of 4 stars). 2 submissions from 2 submitters: Uncertain significance (2). Last evaluated 2024-09-26.

Conditions:
Inborn genetic diseases. Identifiers: MedGen C0950123, MeSH D030342.

Allele frequency attached by ClinVar (database versions not stated): ExAC 0.00001; gnomAD 0.00001; TOPMed 0.00001.
gnomAD v4.1: 16 of 1,614,016 alleles (0.00099%); highest among the groups gnomAD compares: Admixed American, 0.0017%; no homozygotes.

Submissions (2):

Ambry Genetics
Classification: Uncertain significance for Inborn genetic diseases. Last evaluated: 2024-09-26. Review status: criteria provided, single submitter. Criteria: Ambry Variant Classification Scheme 2023. Collection method: clinical testing. Allele origin: germline.

Labcorp Genetics (formerly Invitae), Labcorp
Classification: Uncertain significance. Last evaluated: 2022-09-06. Review status: criteria provided, single submitter. Criteria: Invitae Variant Classification Sherloc (09022015). Collection method: clinical testing. Allele origin: germline.
Comment: In summary, the available evidence is currently insufficient to determine the role of this variant in disease. Therefore, it has been classified as a Variant of Uncertain Significance. Algorithms developed to predict the effect of sequence changes on RNA splicing suggest that this variant may create or strengthen a splice site. Algorithms developed to predict the effect of missense changes on protein structure and function output the following: SIFT: "Tolerated"; PolyPhen-2: "Benign"; Align-GVGD: "Class C0". The valine amino acid residue is found in multiple mammalian species, which suggests that this missense change does not adversely affect protein function. ClinVar contains an entry for this variant (Variation ID: 1519927). This variant has not been reported in the literature in individuals affected with ATF6-related conditions. This variant is present in population databases (rs771718900, gnomAD 0.004%). This sequence change replaces isoleucine, which is neutral and non-polar, with valine, which is neutral and non-polar, at codon 179 of the ATF6 protein (p.Ile179Val).

NM_007348.4(ATF6):c.535A>G (p.Ile179Val)

Gene: ATF6 (activating transcription factor 6; plus strand). Cytogenetic location: 1q23.3.
Variant type: single nucleotide variant.
Coding change: c.535A>G on transcript NM_007348.4 (MANE Select); coding-DNA position 535, A replaced by G.
Protein change: p.Ile179Val; replaces isoleucine 179 with valine.
Molecular consequence: missense variant.
Genome position (GRCh38, 1-based): chr1:161,792,174, A>G. VCF-style: chr1-161792174-A-G. GRCh37 (hg19) VCF-style: chr1-161761964-A-G.
Other names: c.535A>G (NM_007348.3); short protein forms I179V.
Identifiers: ClinVar variation 1519927 (VCV001519927.9), dbSNP rs771718900, ClinGen allele CA1214235.